The following is an entry in ClinVar:

ClinVar aggregate classification (germline): Benign. Review status: criteria provided, multiple submitters, no conflicts (2 of 4 stars). 5 submissions from 5 submitters: Benign (5). Last evaluated 2026-02-04.

Allele frequency attached by ClinVar (database versions not stated): TOPMed 0.69466; gnomAD 0.71612 and 0.70953; gnomAD exomes 0.76862; ExAC 0.78742; 1000 Genomes Project 30x 0.67801; 1000 Genomes Project 0.68311; ESP Exome Variant Server 0.72273.
gnomAD v4.1: 1,275,514 of 1,577,228 alleles (81%); highest among the groups gnomAD compares: Non-Finnish European, 84%; 521,972 homozygotes.

Submissions (5):

Labcorp Genetics (formerly Invitae), Labcorp
Classification: Benign. Last evaluated: 2026-02-04. Review status: criteria provided, single submitter. Criteria: Invitae Variant Classification Sherloc (09022015). Collection method: clinical testing. Allele origin: germline.

Mayo Clinic Laboratories, Mayo Clinic
Classification: Benign. Last evaluated: 2020-08-28. Review status: criteria provided, single submitter. Criteria: ACMG Guidelines, 2015. Collection method: clinical testing. Allele origin: germline. Observed: 151 variant alleles.

GeneDx
Classification: Benign. Last evaluated: 2017-05-09. Review status: criteria provided, single submitter. Criteria: GeneDx Variant Classification (06012015). Collection method: clinical testing. Allele origin: germline. Affected: yes.
Comment: This variant is considered likely benign or benign based on one or more of the following criteria: it is a conservative change, it occurs at a poorly conserved position in the protein, it is predicted to be benign by multiple in silico algorithms, and/or has population frequency not consistent with disease.

Laboratory for Molecular Medicine, Mass General Brigham Personalized Medicine
Classification: Benign. Last evaluated: 2014-11-24. Review status: criteria provided, single submitter. Criteria: LMM Criteria. Collection method: clinical testing. Allele origin: germline. Observed: 945 variant alleles.
Comment: Thr2340Thr in exon 58 of OTOGL: This variant is not expected to have clinical si gnificance because it does not alter an amino acid residue and is not located wi thin the splice consensus sequence. It has been identified in 49.5% (2182/4404) of African American chromosomes from a broad population by the NHLBI Exome Seque ncing Project (dbSNP rs2717477).

Breakthrough Genomics
Classification: Benign. Review status: criteria provided, single submitter. Criteria: ACMG Guidelines, 2015. Collection method: not provided. Allele origin: germline. Inheritance: Autosomal recessive inheritance. Affected: yes.

NM_001378609.3(OTOGL):c.7047G>A (p.Thr2349=)

Gene: OTOGL (otogelin like; plus strand). Cytogenetic location: 12q21.31.
Variant type: single nucleotide variant.
Coding change: c.7047G>A on transcript NM_001378609.3 (MANE Select); coding-DNA position 7047, G replaced by A.
Protein change: p.Thr2349=; no amino-acid change (threonine 2349 retained).
Molecular consequence: synonymous variant.
Genome position (GRCh38, 1-based): chr12:80,378,033, G>A. VCF-style: chr12-80378033-G-A. GRCh37 (hg19) VCF-style: chr12-80771813-G-A.
Other names: p.Thr2340=; c.6912G>A, p.Thr2304= (NM_001368062.3); c.7047G>A, p.Thr2349= (NM_001378610.3, NM_173591.7).
Identifiers: ClinVar variation 226976 (VCV000226976.15), dbSNP rs2717477, ClinGen allele CA6702220.